The following is an entry in ClinVar:

ClinVar aggregate classification (germline): Conflicting classifications of pathogenicity. Review status: criteria provided, conflicting classifications (1 of 4 stars). 7 submissions from 7 submitters: Likely pathogenic (1); Uncertain significance (6). Last evaluated 2025-12-29.

Conditions:
RYR1-related disorder. Also called: RYR1-related disorders; RYR1-related condition. Identifiers: MedGen CN239331.
Malignant hyperthermia, susceptibility to, 1 (MHS1). Also called: Anesthesia related hyperthermia; Malignant hyperpyrexia; Fulminating hyperpyrexia; Pharmacogenic myopathy; RYR1-Related Malignant Hyperthermia Susceptibility; Malignant hyperthermia suceptibility 1. Identifiers: Orphanet 423, MedGen C2930980, MONDO:0007783, OMIM 145600.
Central core myopathy (CMYO1A). Also called: CONGENITAL MYOPATHY 1A, AUTOSOMAL DOMINANT, WITH SUSCEPTIBILITY TO MALIGNANT HYPERTHERMIA; Central core disease; Myopathy, central fibrillar. Identifiers: Orphanet 597, MedGen C5830701, MONDO:0007294, OMIM 117000.
Inborn genetic diseases. Identifiers: MedGen C0950123, MeSH D030342.

Allele frequency attached by ClinVar (database versions not stated): gnomAD 0.00003 and 0.00004; TOPMed 0.00004; gnomAD exomes 0.00005; ExAC 0.00008; 1000 Genomes Project 30x 0.00016; 1000 Genomes Project 0.00020.
gnomAD v4.1: 22 of 1,612,930 alleles (0.0014%); highest among the groups gnomAD compares: Admixed American, 0.01%; no homozygotes.

Submissions (7):

Center for Genomic Medicine, Rigshospitalet, Copenhagen University Hospital
Classification: Uncertain significance. Last evaluated: 2025-12-29. Review status: criteria provided, single submitter. Criteria: ACMG Guidelines, 2015. Collection method: clinical testing. Allele origin: germline.

Ambry Genetics
Classification: Uncertain significance for Inborn genetic diseases. Last evaluated: 2024-05-13. Review status: criteria provided, single submitter. Criteria: Ambry Variant Classification Scheme 2023. Collection method: clinical testing. Allele origin: germline.

Color Diagnostics, LLC DBA Color Health
Classification: Uncertain significance for Malignant hyperthermia, susceptibility to, 1. Last evaluated: 2024-04-18. Review status: criteria provided, single submitter. Criteria: ACMG Guidelines, 2015. Collection method: clinical testing. Allele origin: germline.
Comment: This missense variant replaces threonine with methionine at codon 2538 of the RYR1 protein. Computational prediction is inconclusive regarding the impact of this variant on protein structure and function. To our knowledge, functional studies have not been reported for this variant. This variant has not been reported in individuals affected with RYR1-related disorders in the literature. This variant has been identified in 14/277154 chromosomes in the general population by the Genome Aggregation Database (gnomAD). The available evidence is insufficient to determine the role of this variant in disease conclusively. Therefore, this variant is classified as a Variant of Uncertain Significance.

Foundation for Research in Genetics and Endocrinology, FRIGE's Institute of Human Genetics
Classification: Likely pathogenic for Central core myopathy. Last evaluated: 2021-11-03. Review status: criteria provided, single submitter. Criteria: ACMG Guidelines, 2015. Collection method: clinical testing. Allele origin: germline. Inheritance: Autosomal recessive inheritance. Affected: yes. Observed: 1 heterozygote.
Comment: A heterozygous missense variation in exon 47 of the RYR1 gene that results in the amino acid substitution of Methionine for Threonine at codon 2538 was detected. The observed variant c.7613C>T (p.Thr2538Met) has a minor allele frequency of 0.02% and 0.003% in the 1000 genomes and gnomAD database respectively. The in silico prediction of the variant is damaging by SIFT and MutationTaster2. The reference codon is conserved across species. In summary, the variant meets our criteria to be classified as a likely pathogenic variant.

Labcorp Genetics (formerly Invitae), Labcorp
Classification: Uncertain significance for RYR1-related disorder. Last evaluated: 2021-10-21. Review status: criteria provided, single submitter. Criteria: Invitae Variant Classification Sherloc (09022015). Collection method: clinical testing. Allele origin: germline.
Comment: This sequence change replaces threonine with methionine at codon 2538 of the RYR1 protein (p.Thr2538Met). The threonine residue is highly conserved and there is a moderate physicochemical difference between threonine and methionine. This variant is present in population databases (rs575446156, ExAC 0.03%). This variant has not been reported in the literature in individuals affected with RYR1-related conditions. Algorithms developed to predict the effect of missense changes on protein structure and function are either unavailable or do not agree on the potential impact of this missense change (SIFT: "Deleterious"; PolyPhen-2: "Benign"; Align-GVGD: "Class C0"). In summary, the available evidence is currently insufficient to determine the role of this variant in disease. Therefore, it has been classified as a Variant of Uncertain Significance.

GeneDx
Classification: Uncertain significance. Last evaluated: 2020-10-16. Review status: criteria provided, single submitter. Criteria: GeneDx Variant Classification Process June 2021. Collection method: clinical testing. Allele origin: germline. Affected: yes.
Comment: Not observed at a significant frequency in large population cohorts (Lek et al., 2016); In silico analysis supports that this missense variant has a deleterious effect on protein structure/function; Has not been previously published as pathogenic or benign to our knowledge

Breakthrough Genomics
Classification: Uncertain significance. Review status: criteria provided, single submitter. Criteria: ACMG Guidelines, 2015. Collection method: not provided. Allele origin: germline. Inheritance: Autosomal dominant inheritance. Affected: yes.

NM_000540.3(RYR1):c.7613C>T (p.Thr2538Met)

Gene: RYR1 (ryanodine receptor 1; plus strand). Cytogenetic location: 19q13.2.
Variant type: single nucleotide variant.
Coding change: c.7613C>T on transcript NM_000540.3 (MANE Select); coding-DNA position 7613, C replaced by T.
Protein change: p.Thr2538Met; replaces threonine 2538 with methionine.
Molecular consequence: missense variant.
Genome position (GRCh38, 1-based): chr19:38,500,989, C>T. VCF-style: chr19-38500989-C-T. GRCh37 (hg19) VCF-style: chr19-38991629-C-T.
Other names: p.Thr2538Met; c.7613C>T, p.Thr2538Met (NM_001042723.2); short protein forms T2538M.
Identifiers: ClinVar variation 1054894 (VCV001054894.12), dbSNP rs575446156, ClinGen allele CA069809.